The following is an entry in ClinVar:

NM_000038.6(APC):c.8515C>G (p.Leu2839Val)

Gene: APC (APC regulator of Wnt signaling pathway; plus strand). Cytogenetic location: 5q22.2.
Variant type: single nucleotide variant.
Coding change: c.8515C>G on transcript NM_000038.6 (MANE Select); coding-DNA position 8515, C replaced by G.
Protein change: p.Leu2839Val; replaces leucine 2839 with valine.
Molecular consequence: missense variant. On other transcripts: non-coding transcript variant (2).
Genome position (GRCh38, 1-based): chr5:112,844,109, C>G. VCF-style: chr5-112844109-C-G. GRCh37 (hg19) VCF-style: chr5-112179806-C-G.
Other names: c.8515C>G, p.Leu2839Val (NM_001127510.3, NM_001354895.2, NM_001407450.1); c.8461C>G, p.Leu2821Val (NM_001127511.3); c.8569C>G, p.Leu2857Val (NM_001354896.2, NM_001407447.1, NM_001407448.1 and 1 more transcripts); c.8545C>G, p.Leu2849Val (NM_001354897.2); c.8440C>G, p.Leu2814Val (NM_001354898.2); c.8431C>G, p.Leu2811Val (NM_001354899.2); c.8392C>G, p.Leu2798Val (NM_001354900.2); c.8338C>G, p.Leu2780Val (NM_001354901.2, NM_001407453.1); and 11 more; short protein forms L2710V, L2738V, L2756V, L2849V, L2556V, L2713V, L2821V, L2832V.
Identifiers: ClinVar variation 3410352 (VCV003410352.1).

ClinVar aggregate classification (germline): Uncertain significance (1 of 4 stars; one submission).

Conditions:
Hereditary cancer-predisposing syndrome. Also called: Neoplastic Syndromes, Hereditary; Tumor predisposition; Hereditary Cancer Syndrome; Hereditary neoplastic syndrome. Identifiers: Orphanet 140162, MedGen C0027672, MeSH D009386, MONDO:0015356.

gnomAD v4.1: 1 of 1,612,646 alleles (0.000062%); no homozygotes.

Submission:

Ambry Genetics
Classification: Uncertain significance for Hereditary cancer-predisposing syndrome. Last evaluated: 2024-08-30. Review status: criteria provided, single submitter. Criteria: Ambry Variant Classification Scheme 2023. Collection method: clinical testing. Allele origin: germline.
Comment: The p.L2839V variant (also known as c.8515C>G), located in coding exon 15 of the APC gene, results from a C to G substitution at nucleotide position 8515. The leucine at codon 2839 is replaced by valine, an amino acid with highly similar properties. This amino acid position is well conserved in available vertebrate species. In addition, in silico predictors for this gene do not accurately predict pathogenicity. Missense alterations in APC are not a common cause of disease (Spier I et al. Genet Med. 2024 Feb;26(2):100992). Based on the available evidence, the clinical significance of this variant remains unclear.